The following is an entry in ClinVar:

NM_000070.3(CAPN3):c.1352C>T (p.Pro451Leu)

Gene: CAPN3 (calpain 3; plus strand). Cytogenetic location: 15q15.1.
Variant type: single nucleotide variant.
Coding change: c.1352C>T on transcript NM_000070.3 (MANE Select); coding-DNA position 1352, C replaced by T.
Protein change: p.Pro451Leu; replaces proline 451 with leucine.
Molecular consequence: missense variant.
Genome position (GRCh38, 1-based): chr15:42,399,650, C>T. VCF-style: chr15-42399650-C-T. GRCh37 (hg19) VCF-style: chr15-42691848-C-T.
Other names: c.1352C>T, p.Pro451Leu (NM_024344.2); c.1208C>T, p.Pro403Leu (NM_173087.2); c.1091C>T, p.Pro364Leu (NM_212464.2); c.*1045C>T (NM_212467.2); short protein forms P364L, P403L, P451L.
Identifiers: ClinVar variation 2716420 (VCV002716420.1), dbSNP rs1421824020, ClinGen allele CA391999645.

ClinVar aggregate classification (germline): Uncertain significance (1 of 4 stars; one submission).

Conditions:
Autosomal recessive limb-girdle muscular dystrophy type 2A (LGMDR1). Also called: LEYDEN-MOEBIUS MUSCULAR DYSTROPHY; MUSCULAR DYSTROPHY, PELVOFEMORAL; Muscular dystrophy, limb-girdle, type 2A, Amish; Limb-girdle muscular dystrophy, type 2A; Calpainopathy. Identifiers: Orphanet 267, MedGen C1869123, MONDO:0009675, OMIM 253600. Disease mechanism: loss of function.

Allele frequency attached by ClinVar (database versions not stated): TOPMed 0.00001.
gnomAD v4.1: 1 of 1,599,026 alleles (0.000063%); no homozygotes.

Submission:

Labcorp Genetics (formerly Invitae), Labcorp
Classification: Uncertain significance for Autosomal recessive limb-girdle muscular dystrophy type 2A. Last evaluated: 2023-08-07. Review status: criteria provided, single submitter. Criteria: Invitae Variant Classification Sherloc (09022015). Collection method: clinical testing. Allele origin: germline.
Comment: This sequence change replaces proline, which is neutral and non-polar, with leucine, which is neutral and non-polar, at codon 451 of the CAPN3 protein (p.Pro451Leu). In summary, the available evidence is currently insufficient to determine the role of this variant in disease. Therefore, it has been classified as a Variant of Uncertain Significance. Algorithms developed to predict the effect of sequence changes on RNA splicing suggest that this variant may create or strengthen a splice site. An algorithm developed to predict the effect of missense changes on protein structure and function (PolyPhen-2) suggests that this variant is likely to be disruptive. This variant has not been reported in the literature in individuals affected with CAPN3-related conditions. This variant is not present in population databases (gnomAD no frequency).